The following is an entry in ClinVar:

NM_001321967.2(ATAD1):c.1022A>G (p.Glu341Gly)

Gene: ATAD1 (ATPase family AAA domain containing 1; minus strand). Cytogenetic location: 10q23.31.
Variant type: single nucleotide variant.
Coding change: c.1022A>G on transcript NM_001321967.2 (MANE Select); coding-DNA position 1022, A replaced by G.
Protein change: p.Glu341Gly; replaces glutamic acid 341 with glycine.
Molecular consequence: missense variant. On other transcripts: non-coding transcript variant (1).
Genome position (GRCh38, 1-based): chr10:87,754,751, T>C on the plus strand (A>G on the coding strand, the complement: ATAD1 is on the minus strand). VCF-style: chr10-87754751-T-C. GRCh37 (hg19) VCF-style: chr10-89514508-T-C.
Other names: c.932A>G, p.Glu311Gly (NM_001321968.2); c.665A>G, p.Glu222Gly (NM_001321969.2); c.1022A>G, p.Glu341Gly (NM_032810.4); short protein forms E341G, E222G, E311G.
Identifiers: ClinVar variation 2100296 (VCV002100296.4), dbSNP rs2492909710, ClinGen allele CA377485743.

ClinVar aggregate classification (germline): Uncertain significance (1 of 4 stars; one submission).

Submission:

Labcorp Genetics (formerly Invitae), Labcorp
Classification: Uncertain significance. Last evaluated: 2022-06-10. Review status: criteria provided, single submitter. Criteria: Invitae Variant Classification Sherloc (09022015). Collection method: clinical testing. Allele origin: germline.
Comment: In summary, the available evidence is currently insufficient to determine the role of this variant in disease. Therefore, it has been classified as a Variant of Uncertain Significance. Algorithms developed to predict the effect of missense changes on protein structure and function are either unavailable or do not agree on the potential impact of this missense change (SIFT: "Not Available"; PolyPhen-2: "Benign"; Align-GVGD: "Not Available"). This variant has not been reported in the literature in individuals affected with ATAD1-related conditions. This variant is not present in population databases (gnomAD no frequency). This sequence change replaces glutamic acid, which is acidic and polar, with glycine, which is neutral and non-polar, at codon 341 of the ATAD1 protein (p.Glu341Gly).